The following is an entry in ClinVar:

ClinVar aggregate classification (germline): Uncertain significance. Review status: criteria provided, multiple submitters, no conflicts (2 of 4 stars). 2 submissions from 2 submitters: Uncertain significance (2). Last evaluated 2025-12-03.

Conditions:
Tatton-Brown-Rahman overgrowth syndrome. Also called: Tall stature-intellectual disability-facial dysmorphism syndrome; Tatton-Brown-Rahman syndrome. Identifiers: Orphanet 404443, MedGen C4014545, MONDO:0014382, OMIM 615879.
Inborn genetic diseases. Identifiers: MedGen C0950123, MeSH D030342.

Allele frequency attached by ClinVar (database versions not stated): TOPMed below 0.00001; gnomAD exomes 0.00001.
gnomAD v4.1: 14 of 1,612,266 alleles (0.00087%); highest among the groups gnomAD compares: African/African-American, 0.0013%; no homozygotes.

Submissions (2):

Ambry Genetics
Classification: Uncertain significance for Inborn genetic diseases. Last evaluated: 2025-12-03. Review status: criteria provided, single submitter. Criteria: Ambry Variant Classification Scheme 2023. Collection method: clinical testing. Allele origin: germline.
Comment: The p.D280N variant (also known as c.838G>A), located in coding exon 6 of the DNMT3A gene, results from a G to A substitution at nucleotide position 838. The aspartic acid at codon 280 is replaced by asparagine, an amino acid with highly similar properties. This amino acid position is conserved. In addition, this alteration is predicted to be tolerated by in silico analysis. Based on the available evidence, the clinical significance of this variant remains unclear.

Labcorp Genetics (formerly Invitae), Labcorp
Classification: Uncertain significance for Tatton-Brown-Rahman overgrowth syndrome. Last evaluated: 2025-03-17. Review status: criteria provided, single submitter. Criteria: Invitae Variant Classification Sherloc (09022015). Collection method: clinical testing. Allele origin: germline.
Comment: This sequence change replaces aspartic acid, which is acidic and polar, with asparagine, which is neutral and polar, at codon 280 of the DNMT3A protein (p.Asp280Asn). This variant is not present in population databases (gnomAD no frequency). This variant has not been reported in the literature in individuals affected with DNMT3A-related conditions. ClinVar contains an entry for this variant (Variation ID: 2875009). Invitae Evidence Modeling of protein sequence and biophysical properties (such as structural, functional, and spatial information, amino acid conservation, physicochemical variation, residue mobility, and thermodynamic stability) indicates that this missense variant is not expected to disrupt DNMT3A protein function with a negative predictive value of 95%. In summary, the available evidence is currently insufficient to determine the role of this variant in disease. Therefore, it has been classified as a Variant of Uncertain Significance.

NM_022552.5(DNMT3A):c.838G>A (p.Asp280Asn)

Gene: DNMT3A (DNA methyltransferase 3 alpha; minus strand). Cytogenetic location: 2p23.3.
Variant type: single nucleotide variant.
Coding change: c.838G>A on transcript NM_022552.5 (MANE Select); coding-DNA position 838, G replaced by A.
Protein change: p.Asp280Asn; replaces aspartic acid 280 with asparagine.
Molecular consequence: missense variant. On other transcripts: non-coding transcript variant (1).
Genome position (GRCh38, 1-based): chr2:25,248,054, C>T on the plus strand (G>A on the coding strand, the complement: DNMT3A is on the minus strand). VCF-style: chr2-25248054-C-T. GRCh37 (hg19) VCF-style: chr2-25470923-C-T.
Other names: c.838G>A (NM_022552.3); c.382G>A, p.Asp128Asn (NM_001320893.1); c.169G>A, p.Asp57Asn (NM_001375819.1); c.271G>A, p.Asp91Asn (NM_153759.3); c.838G>A, p.Asp280Asn (NM_175629.2); short protein forms D91N, D128N, D280N, D57N.
Identifiers: ClinVar variation 2875009 (VCV002875009.4), dbSNP rs893934873, ClinGen allele CA43706823.
Genomic context (GRCh38, chr2:25,248,054, plus strand): 5'-CCCCCGGAAAGAGCTGGCCACGGCTGGTGAAGAAGCCGCTCACCTCGTACTCTGGCTCGT[C>T]ATCGCCTGCTTTGGTGGCATTCTTGTCCCCAGCATCGGACCCCACGGGCTCAGGCGTGGT-3'
Protein context (NP_072046.2, residues 270-290): GDKNATKAGD[Asp280Asn]EPEYEDGRGF